The following is an entry in ClinVar:

ClinVar aggregate classification (germline): Uncertain significance. Review status: criteria provided, multiple submitters, no conflicts (2 of 4 stars). 2 submissions from 2 submitters: Uncertain significance (2). Last evaluated 2022-04-28.

Conditions:
Proline dehydrogenase deficiency (HYRPRO1). Also called: Hyperprolinemia type 1; PROLINE OXIDASE DEFICIENCY. Identifiers: Orphanet 419, MedGen C0268529, MONDO:0009400, OMIM 239500.
Schizophrenia 4 (SCZD4). Also called: SCHIZOPHRENIA, SUSCEPTIBILITY TO, 4; SCHIZOPHRENIA SUSCEPTIBILITY LOCUS, CHROMOSOME 22q11-RELATED. Identifiers: MedGen C1833247, MONDO:0010943, OMIM 600850.

Allele frequency attached by ClinVar (database versions not stated): gnomAD 0.00006.

Submissions (2):

Labcorp Genetics (formerly Invitae), Labcorp
Classification: Uncertain significance for Proline dehydrogenase deficiency. Last evaluated: 2022-04-28. Review status: criteria provided, single submitter. Criteria: Invitae Variant Classification Sherloc (09022015). Collection method: clinical testing. Allele origin: germline.
Comment: This sequence change replaces valine, which is neutral and non-polar, with isoleucine, which is neutral and non-polar, at codon 365 of the PRODH protein (p.Val365Ile). This variant is present in population databases (rs768237039, gnomAD 0.01%). This variant has not been reported in the literature in individuals affected with PRODH-related conditions. ClinVar contains an entry for this variant (Variation ID: 661118). Algorithms developed to predict the effect of missense changes on protein structure and function output the following: SIFT: "Tolerated"; PolyPhen-2: "Benign"; Align-GVGD: "Class C0". The isoleucine amino acid residue is found in multiple mammalian species, which suggests that this missense change does not adversely affect protein function. In summary, the available evidence is currently insufficient to determine the role of this variant in disease. Therefore, it has been classified as a Variant of Uncertain Significance.

Fulgent Genetics
Classification: Uncertain significance for Proline dehydrogenase deficiency; Schizophrenia 4. Last evaluated: 2021-09-23. Review status: criteria provided, single submitter. Criteria: ACMG Guidelines, 2015. Collection method: clinical testing. Allele origin: unknown.

NM_016335.6(PRODH):c.1093G>A (p.Val365Ile)

Gene: PRODH (proline dehydrogenase 1; minus strand). Cytogenetic location: 22q11.21.
Variant type: single nucleotide variant.
Coding change: c.1093G>A on transcript NM_016335.6 (MANE Select); coding-DNA position 1093, G replaced by A.
Protein change: p.Val365Ile; replaces valine 365 with isoleucine.
Molecular consequence: missense variant.
Genome position (GRCh38, 1-based): chr22:18,919,717, C>T on the plus strand (G>A on the coding strand, the complement: PRODH is on the minus strand). VCF-style: chr22-18919717-C-T. GRCh37 (hg19) VCF-style: chr22-18907230-C-T.
Other names: c.769G>A, p.Val257Ile (NM_001195226.2); short protein forms V365I, V257I.
Identifiers: ClinVar variation 661118 (VCV000661118.7), dbSNP rs768237039, ClinGen allele CA10095114.
Genomic context (GRCh38, chr22:18,919,717, plus strand): 5'-CTCTTCTCCACGAGTCCCAGGTACCCTCTGCCCGAGCGGGACAGCTCACCTTGGCCAGGA[C>T]ATCCATCCGCTGTAGCATCCTGGTCATCTGTAGCTCCTCCTCCTCAGTGAACCGGGACAG-3'
Protein context (NP_057419.5, residues 355-375): QMTRMLQRMD[Val365Ile]LAKKATEMGV